The following is an entry in ClinVar:

ClinVar aggregate classification (germline): Uncertain significance (1 of 4 stars; one submission).

Allele frequency attached by ClinVar (database versions not stated): TOPMed below 0.00001; ESP Exome Variant Server 0.00008.

Submission:

Labcorp Genetics (formerly Invitae), Labcorp
Classification: Uncertain significance. Last evaluated: 2022-07-01. Review status: criteria provided, single submitter. Criteria: Invitae Variant Classification Sherloc (09022015). Collection method: clinical testing. Allele origin: germline.
Comment: In summary, the available evidence is currently insufficient to determine the role of this variant in disease. Therefore, it has been classified as a Variant of Uncertain Significance. Algorithms developed to predict the effect of missense changes on protein structure and function (SIFT, PolyPhen-2, Align-GVGD) all suggest that this variant is likely to be disruptive. This variant has not been reported in the literature in individuals affected with PPIB-related conditions. This variant is not present in population databases (gnomAD no frequency). This sequence change replaces serine, which is neutral and polar, with isoleucine, which is neutral and non-polar, at codon 139 of the PPIB protein (p.Ser139Ile).

NM_000942.5(PPIB):c.416G>T (p.Ser139Ile)

Genes: PPIB (peptidylprolyl isomerase B; minus strand), SNX22 (sorting nexin 22; plus strand). Cytogenetic location: 15q22.31.
Variant type: single nucleotide variant.
Coding change: c.416G>T on transcript NM_000942.5 (MANE Select); coding-DNA position 416, G replaced by T.
Protein change: p.Ser139Ile; replaces serine 139 with isoleucine.
Molecular consequence: missense variant. On other transcripts: 3 prime UTR variant (1), non-coding transcript variant (1).
Genome position (GRCh38, 1-based): chr15:64,156,837, C>A on the plus strand (G>T on the coding strand, the complement: PPIB is on the minus strand). VCF-style: chr15-64156837-C-A. GRCh37 (hg19) VCF-style: chr15-64449036-C-A.
Other names: c.*2329C>A (NM_024798.3); short protein forms S139I.
Identifiers: ClinVar variation 2012622 (VCV002012622.4), dbSNP rs150146348, ClinGen allele CA271410306.
Genomic context (GRCh38, chr15:64,156,837, plus strand): 5'-GTCTTGACTGTCGTGATGAAGAACTGGGAGCCGTTGGTGTCTTTGCCTGCGTTGGCCATG[C>A]TCACCCAGCCAGGCCCGTAGTGCTTCAGTTTGAAGTTCTCATCGGGGAAGCGCTCACCGT-3'
Protein context (NP_000933.1, residues 129-149): KLKHYGPGWV[Ser139Ile]MANAGKDTNG